The following is an entry in ClinVar:

NM_004360.5(CDH1):c.1228G>T (p.Glu410Ter)

Gene: CDH1 (cadherin 1; plus strand). Cytogenetic location: 16q22.1.
Variant type: single nucleotide variant.
Coding change: c.1228G>T on transcript NM_004360.5 (MANE Select); coding-DNA position 1228, G replaced by T.
Protein change: p.Glu410Ter; replaces glutamic acid 410 with a stop codon.
Molecular consequence: nonsense. On other transcripts: 5 prime UTR variant (2), intron variant (1).
Genome position (GRCh38, 1-based): chr16:68,813,403, G>T. VCF-style: chr16-68813403-G-T. GRCh37 (hg19) VCF-style: chr16-68847306-G-T.
Other names: c.-388G>T (NM_001317185.2); c.-592G>T (NM_001317186.2); c.1137+1140G>T (NM_001317184.2); short protein forms E410*.
Identifiers: ClinVar variation 2583592 (VCV002583592.2), dbSNP rs187906987, ClinGen allele CA396461412.

ClinVar aggregate classification (germline): Pathogenic (1 of 4 stars; one submission).

Conditions:
Hereditary diffuse gastric adenocarcinoma (HDGC). Also called: DIFFUSE GASTRIC AND LOBULAR BREAST CANCER SYNDROME. Identifiers: Orphanet 26106, MedGen C1708349, MONDO:0007648, OMIM 137215.

Submission:

Myriad Genetics, Inc.
Classification: Pathogenic for Hereditary diffuse gastric adenocarcinoma. Last evaluated: 2023-06-13. Review status: criteria provided, single submitter. Criteria: Myriad Autosomal Dominant, Autosomal Recessive and X-Linked Classification Criteria (2023). Collection method: clinical testing. Allele origin: unknown.
Comment: This variant is considered pathogenic. This variant creates a termination codon and is predicted to result in premature protein truncation.